The following is an entry in ClinVar:

ClinVar aggregate classification (germline): Likely benign (1 of 4 stars; one submission).

Allele frequency attached by ClinVar (database versions not stated): 1000 Genomes Project 0.00140; 1000 Genomes Project 30x 0.00172; TOPMed 0.00312; gnomAD 0.00352; ESP Exome Variant Server 0.00408; ExAC 0.00417; gnomAD exomes 0.00542.

Submission:

CeGaT Center for Human Genetics Tuebingen
Classification: Likely benign. Last evaluated: 2023-02-01. Review status: criteria provided, single submitter. Criteria: CeGaT Center For Human Genetics Tuebingen Variant Classification Criteria Version 2. Collection method: clinical testing. Allele origin: germline. Affected: yes. Observed: 1 variant allele.
Comment: DHX57: BP4, BS2

NM_198963.3(DHX57):c.4103C>T (p.Thr1368Met)

Gene: DHX57 (DExH-box helicase 57; minus strand). Cytogenetic location: 2p22.1.
Variant type: single nucleotide variant.
Coding change: c.4103C>T on transcript NM_198963.3 (MANE Select); coding-DNA position 4103, C replaced by T.
Protein change: p.Thr1368Met; replaces threonine 1368 with methionine.
Molecular consequence: missense variant.
Genome position (GRCh38, 1-based): chr2:38,798,357, G>A on the plus strand (C>T on the coding strand, the complement: DHX57 is on the minus strand). VCF-style: chr2-38798357-G-A. GRCh37 (hg19) VCF-style: chr2-39025499-G-A.
Other names: c.3797C>T, p.Thr1266Met (NM_001329963.1); short protein forms T1266M, T1368M.
Identifiers: ClinVar variation 2650841 (VCV002650841.24), dbSNP rs61757607, ClinGen allele CA1622358.